The following is an entry in ClinVar:

NM_020975.6(RET):c.1765A>C (p.Ser589Arg)

Gene: RET (ret proto-oncogene; plus strand). Cytogenetic location: 10q11.21.
Variant type: single nucleotide variant.
Coding change: c.1765A>C on transcript NM_020975.6 (MANE Select); coding-DNA position 1765, A replaced by C.
Protein change: p.Ser589Arg; replaces serine 589 with arginine.
Molecular consequence: missense variant.
Genome position (GRCh38, 1-based): chr10:43,113,561, A>C. VCF-style: chr10-43113561-A-C. GRCh37 (hg19) VCF-style: chr10-43609009-A-C.
Other names: c.1765A>C, p.Ser589Arg (NM_000323.2, NM_001406743.1, NM_001406744.1 and 6 more transcripts); c.1003A>C, p.Ser335Arg (NM_001355216.2); c.1636A>C, p.Ser546Arg (NM_001406761.1, NM_001406762.1, NM_001406764.1 and 1 more transcripts); c.1477A>C, p.Ser493Arg (NM_001406766.1, NM_001406767.1, NM_001406770.1); c.1369A>C, p.Ser457Arg (NM_001406769.1, NM_001406772.1); c.1327A>C, p.Ser443Arg (NM_001406771.1, NM_001406773.1); c.1240A>C, p.Ser414Arg (NM_001406774.1); c.1039A>C, p.Ser347Arg (NM_001406775.1, NM_001406776.1, NM_001406777.1 and 1 more transcripts); and 5 more; short protein forms S589R, S335R, S290R, S347R, S457R, S247R, S259R, S493R.
Identifiers: ClinVar variation 185968 (VCV000185968.15), dbSNP rs786202597, ClinGen allele CA007753.
Genomic context (GRCh38, chr10:43,113,561, plus strand): 5'-GCGCCTGGGGTGGTCAGGCGCCCCAGGAGGCTGAGTGGGCTACGTCTGCCCTCAGGGGGC[A>C]GCATTGTTGGGGGACACGAGCCTGGGGAGCCCCGGGGGATTAAAGCTGGCTATGGCACCT-3'
Protein context (NP_066124.1, residues 579-599): NICPQDCLRG[Ser589Arg]IVGGHEPGEP

ClinVar aggregate classification (germline): Uncertain significance. Review status: criteria provided, multiple submitters, no conflicts (2 of 4 stars). 2 submissions from 2 submitters: Uncertain significance (2). Last evaluated 2024-01-17.

Conditions:
Hereditary cancer-predisposing syndrome. Also called: Hereditary neoplastic syndrome; Neoplastic Syndromes, Hereditary; Tumor predisposition; Hereditary Cancer Syndrome. Identifiers: Orphanet 140162, MedGen C0027672, MeSH D009386, MONDO:0015356.
Multiple endocrine neoplasia, type 2 (MEN2). Identifiers: Orphanet 653, MedGen C4048306, MONDO:0019003. Disease mechanism: gain of function.

Allele frequency attached by ClinVar (database versions not stated): gnomAD exomes 0.00001.
gnomAD v4.1: 3 of 1,607,658 alleles (0.00019%); highest among the groups gnomAD compares: Non-Finnish European, 0.00025%; no homozygotes.

Submissions (2):

Ambry Genetics
Classification: Uncertain significance for Hereditary cancer-predisposing syndrome. Last evaluated: 2024-01-17. Review status: criteria provided, single submitter. Criteria: Ambry Variant Classification Scheme 2023. Collection method: clinical testing. Allele origin: germline.
Comment: The p.S589R variant (also known as c.1765A>C), located in coding exon 10 of the RET gene, results from an A to C substitution at nucleotide position 1765. The serine at codon 589 is replaced by arginine, an amino acid with dissimilar properties. This amino acid position is not well conserved in available vertebrate species. In addition, the in silico prediction for this alteration is inconclusive. Based on the available evidence, the clinical significance of this alteration remains unclear.

Labcorp Genetics (formerly Invitae), Labcorp
Classification: Uncertain significance for Multiple endocrine neoplasia, type 2. Last evaluated: 2023-02-06. Review status: criteria provided, single submitter. Criteria: Invitae Variant Classification Sherloc (09022015). Collection method: clinical testing. Allele origin: germline.
Comment: This sequence change replaces serine, which is neutral and polar, with arginine, which is basic and polar, at codon 589 of the RET protein (p.Ser589Arg). In summary, the available evidence is currently insufficient to determine the role of this variant in disease. Therefore, it has been classified as a Variant of Uncertain Significance. Algorithms developed to predict the effect of missense changes on protein structure and function (SIFT, PolyPhen-2, Align-GVGD) all suggest that this variant is likely to be tolerated. ClinVar contains an entry for this variant (Variation ID: 185968). This variant has not been reported in the literature in individuals affected with RET-related conditions. This variant is not present in population databases (gnomAD no frequency).